The following is an entry in ClinVar:

NM_001999.4(FBN2):c.437-162A>G

Gene: FBN2 (fibrillin 2; minus strand). Cytogenetic location: 5q23.3.
Variant type: single nucleotide variant.
Coding change: c.437-162A>G on transcript NM_001999.4 (MANE Select); 162 bases into the intron before coding-DNA position 437, A replaced by G.
Molecular consequence: intron variant.
Genome position (GRCh38, 1-based): chr5:128,528,129, T>C on the plus strand (A>G on the coding strand, the complement: FBN2 is on the minus strand). VCF-style: chr5-128528129-T-C. GRCh37 (hg19) VCF-style: chr5-127863822-T-C.
Identifiers: ClinVar variation 675619 (VCV000675619.1), dbSNP rs114070767, ClinGen allele CA127051197.
Genomic context (GRCh38, chr5:128,528,129, plus strand): 5'-CAATTATATCTTACAGAAGGAAATACTATGACCCAAACATATTTTTATTCATCATTTCTT[T>C]ATAAGTGCACACATGGGCATATCTGTGATAACATGTTTTTCAGGATGCATTGAAAACACT-3'

ClinVar aggregate classification (germline): Benign (1 of 4 stars; one submission).

Allele frequency attached by ClinVar (database versions not stated): gnomAD 0.02588 and 0.02799; 1000 Genomes Project 0.02656; 1000 Genomes Project 30x 0.02811; TOPMed 0.02843.
gnomAD v4.1: 3,896 of 152,296 alleles (2.6%); highest among the groups gnomAD compares: African/African-American, 9%; 173 homozygotes.

Submission:

GeneDx
Classification: Benign. Last evaluated: 2018-06-16. Review status: criteria provided, single submitter. Criteria: GeneDx Variant Classification (06012015). Collection method: clinical testing. Allele origin: germline. Affected: yes.
Comment: This variant is considered likely benign or benign based on one or more of the following criteria: it is a conservative change, it occurs at a poorly conserved position in the protein, it is predicted to be benign by multiple in silico algorithms, and/or has population frequency not consistent with disease.